The following is an entry in ClinVar:

ClinVar aggregate classification (germline): Uncertain significance. Review status: criteria provided, multiple submitters, no conflicts (2 of 4 stars). 5 submissions from 5 submitters: Uncertain significance (5). Last evaluated 2025-10-27.

Conditions:
Classic or attenuated familial adenomatous polyposis. Identifiers: MedGen CN372698, MONDO:0021057.
Hereditary cancer-predisposing syndrome. Also called: Neoplastic Syndromes, Hereditary; Hereditary neoplastic syndrome; Tumor predisposition; Hereditary Cancer Syndrome. Identifiers: Orphanet 140162, MedGen C0027672, MeSH D009386, MONDO:0015356.
Familial adenomatous polyposis 1 (FAP1). Also called: FAMILIAL ADENOMATOUS POLYPOSIS 1, ATTENUATED; POLYPOSIS, ADENOMATOUS INTESTINAL. Identifiers: MedGen C2713442, MONDO:0021056, OMIM 175100. Disease mechanism: loss of function.

Allele frequency attached by ClinVar (database versions not stated): TOPMed below 0.00001.

Submissions (5):

Labcorp Genetics (formerly Invitae), Labcorp
Classification: Uncertain significance for Familial adenomatous polyposis 1. Last evaluated: 2025-10-27. Review status: criteria provided, single submitter. Criteria: Invitae Variant Classification Sherloc (09022015). Collection method: clinical testing. Allele origin: germline.
Comment: This sequence change replaces glutamine, which is neutral and polar, with glutamic acid, which is acidic and polar, at codon 1242 of the APC protein (p.Gln1242Glu). This variant is not present in population databases (gnomAD no frequency). This variant has not been reported in the literature in individuals affected with APC-related conditions. ClinVar contains an entry for this variant (Variation ID: 619769). Invitae Evidence Modeling of protein sequence and biophysical properties (such as structural, functional, and spatial information, amino acid conservation, physicochemical variation, residue mobility, and thermodynamic stability) indicates that this missense variant is not expected to disrupt APC protein function with a negative predictive value of 95%. In summary, the available evidence is currently insufficient to determine the role of this variant in disease. Therefore, it has been classified as a Variant of Uncertain Significance.

All of Us Research Program, National Institutes of Health
Classification: Uncertain significance for Classic or attenuated familial adenomatous polyposis. Last evaluated: 2024-02-05. Review status: criteria provided, single submitter. Criteria: ACMG Guidelines, 2015. Collection method: clinical testing. Allele origin: germline. Inheritance: Autosomal dominant inheritance. Observed: 1 variant allele, 1 heterozygote.
Comment: This missense variant replaces glutamine with glutamic acid at codon 1242 of the APC protein. Computational prediction suggests that this variant may not impact protein structure and function (internally defined REVEL score threshold <= 0.5, PMID: 27666373). To our knowledge, functional studies have not been reported for this variant. This variant has not been reported in individuals affected with APC-related disorders in the literature. This variant has not been identified in the general population by the Genome Aggregation Database (gnomAD). The available evidence is insufficient to determine the role of this variant in disease conclusively. Therefore, this variant is classified as a Variant of Uncertain Significance.

This study involves interpretation of variants in research participants for the purpose of population health screening. Participant phenotype was not available at the time of variant classification. Additional details can be found in publication PMID: 35346344, PMCID: PMC8962531

Ambry Genetics
Classification: Uncertain significance for Hereditary cancer-predisposing syndrome. Last evaluated: 2024-01-04. Review status: criteria provided, single submitter. Criteria: Ambry Variant Classification Scheme 2023. Collection method: clinical testing. Allele origin: germline.
Comment: The p.Q1242E variant (also known as c.3724C>G), located in coding exon 15 of the APC gene, results from a C to G substitution at nucleotide position 3724. The glutamine at codon 1242 is replaced by glutamic acid, an amino acid with highly similar properties. This amino acid position is not well conserved in available vertebrate species. In addition, in silico predictors for this gene do not accurately predict pathogenicity. Since supporting evidence is limited at this time, the clinical significance of this alteration remains unclear.

Color Diagnostics, LLC DBA Color Health
Classification: Uncertain significance for Hereditary cancer-predisposing syndrome. Last evaluated: 2023-12-05. Review status: criteria provided, single submitter. Criteria: ACMG Guidelines, 2015. Collection method: clinical testing. Allele origin: germline.
Comment: This missense variant replaces glutamine with glutamic acid at codon 1242 of the APC protein. Computational prediction suggests that this variant may not impact protein structure and function (internally defined REVEL score threshold <= 0.5, PMID: 27666373). To our knowledge, functional studies have not been reported for this variant. This variant has not been reported in individuals affected with APC-related disorders in the literature. This variant has not been identified in the general population by the Genome Aggregation Database (gnomAD). The available evidence is insufficient to determine the role of this variant in disease conclusively. Therefore, this variant is classified as a Variant of Uncertain Significance.

Quest Diagnostics Nichols Institute San Juan Capistrano
Classification: Uncertain significance. Last evaluated: 2019-01-16. Review status: criteria provided, single submitter. Criteria: Quest Diagnostics criteria. Collection method: clinical testing. Allele origin: germline.

NM_000038.6(APC):c.3724C>G (p.Gln1242Glu)

Gene: APC (APC regulator of Wnt signaling pathway; plus strand). Cytogenetic location: 5q22.2.
Variant type: single nucleotide variant.
Coding change: c.3724C>G on transcript NM_000038.6 (MANE Select); coding-DNA position 3724, C replaced by G.
Protein change: p.Gln1242Glu; replaces glutamine 1242 with glutamic acid.
Molecular consequence: missense variant.
Genome position (GRCh38, 1-based): chr5:112,839,318, C>G. VCF-style: chr5-112839318-C-G. GRCh37 (hg19) VCF-style: chr5-112175015-C-G.
Other names: c.3724C>G, p.Gln1242Glu (NM_001127510.3, NM_001354895.2); c.3670C>G, p.Gln1224Glu (NM_001127511.3); c.3778C>G, p.Gln1260Glu (NM_001354896.2); c.3754C>G, p.Gln1252Glu (NM_001354897.2); c.3649C>G, p.Gln1217Glu (NM_001354898.2); c.3640C>G, p.Gln1214Glu (NM_001354899.2); c.3601C>G, p.Gln1201Glu (NM_001354900.2); c.3547C>G, p.Gln1183Glu (NM_001354901.2); and 5 more; short protein forms Q1224E, Q1242E, Q1151E, Q1217E, Q1082E, Q1141E, Q1183E, Q1201E.
Identifiers: ClinVar variation 619769 (VCV000619769.22), dbSNP rs1460397656, ClinGen allele CA16029504.